The following is an entry in ClinVar:

ClinVar aggregate classification (germline): Uncertain significance (1 of 4 stars; one submission).

Conditions:
Achondrogenesis, type IB (ACG1B). Also called: Achondrogenesis Type 1B. Identifiers: Orphanet 932, Orphanet 93298, MedGen C0265274, MONDO:0010966, OMIM 600972.
Atelosteogenesis type II (AO2). Also called: NEONATAL OSSEOUS DYSPLASIA I; SLC26A2-Related Atelosteogenesis; Neonatal osseous dysplasia 1. Identifiers: Orphanet 56304, MedGen C1850554, MONDO:0009727, OMIM 256050.
Multiple epiphyseal dysplasia type 4 (EDM4). Also called: MULTIPLE EPIPHYSEAL DYSPLASIA WITH BILAYERED PATELLAE; MULTIPLE EPIPHYSEAL DYSPLASIA WITH CLUBFOOT; MULTIPLE EPIPHYSEAL DYSPLASIA, AUTOSOMAL RECESSIVE; Multiple Epiphyseal Dysplasia, Recessive; SLC26A2-Related Multiple Epiphyseal Dysplasia. Identifiers: Orphanet 93307, MedGen C1847593, MONDO:0009189, OMIM 226900.
Diastrophic dysplasia (DTD). Also called: Diastrophic dwarfism. Identifiers: Orphanet 628, MedGen C0220726, MONDO:0009107, OMIM 222600.

Submission:

Juno Genomics, Hangzhou Juno Genomics, Inc
Classification: Uncertain significance for Achondrogenesis, type IB; Atelosteogenesis type II; Diastrophic dysplasia; Multiple epiphyseal dysplasia type 4. Review status: criteria provided, single submitter. Criteria: ACMG Guidelines, 2015. Collection method: clinical testing. Allele origin: germline.
Comment: Absent from controls (or at extremely low frequency if recessive) in Genome Aggregation Database.;Multiple lines of computational evidence support a deleterious effect on the gene or gene product.

NM_000112.4(SLC26A2):c.512T>C (p.Met171Thr)

Gene: SLC26A2 (solute carrier family 26 member 2; plus strand). Cytogenetic location: 5q32.
Variant type: single nucleotide variant.
Coding change: c.512T>C on transcript NM_000112.4 (MANE Select); coding-DNA position 512, T replaced by C.
Protein change: p.Met171Thr; replaces methionine 171 with threonine.
Molecular consequence: missense variant.
Genome position (GRCh38, 1-based): chr5:149,978,164, T>C. VCF-style: chr5-149978164-T-C. GRCh37 (hg19) VCF-style: chr5-149357727-T-C.
Other names: short protein forms M171T.
Identifiers: ClinVar variation 5019690 (VCV005019690.2).